The following is an entry in ClinVar:

NM_007294.4(BRCA1):c.3394_3399del (p.Asn1132_Leu1133del)

Genes: BRCA1 (BRCA1 DNA repair associated; minus strand), LOC126862571 (BRD4-independent group 4 enhancer GRCh37_chr17:41243136-41244335; plus strand). Cytogenetic location: 17q21.31.
Variant type: Deletion.
Coding change: c.3394_3399del on transcript NM_007294.4 (MANE Select); coding-DNA positions 3394 to 3399, 6 bases deleted (AACTTA; older notation c.3394_3399delAACTTA).
Protein change: p.Asn1132_Leu1133del.
Molecular consequence: inframe deletion. On other transcripts: intron variant (135).
Genome position (GRCh38, 1-based): chr17:43,092,132-43,092,137, TAAGTT deleted on the plus strand (AACTTA on the coding strand, the reverse complement: BRCA1 is on the minus strand). VCF-style (leftmost placement, unchanged base first): chr17-43092131-CTAAGTT-C. GRCh37 (hg19) VCF-style: chr17-41244148-CTAAGTT-C.
Other names: c.3181_3186del, p.Asn1061_Leu1062del (NM_001407571.1, NM_001407853.1, NM_001407894.1 and 9 more transcripts); c.3394_3399del, p.Asn1132_Leu1133del (NM_001407581.1, NM_001407582.1, NM_001407583.1 and 30 more transcripts); c.3391_3396del, p.Asn1131_Leu1132del (NM_001407587.1, NM_001407590.1, NM_001407591.1 and 22 more transcripts); c.3385_3390del, p.Asn1129_Leu1130del (NM_001407646.1, NM_001407647.1); c.3271_3276del, p.Asn1091_Leu1092del (NM_001407648.1, NM_001407664.1, NM_001407665.1 and 19 more transcripts); c.3268_3273del, p.Asn1090_Leu1091del (NM_001407649.1, NM_001407670.1, NM_001407671.1 and 11 more transcripts); c.3316_3321del, p.Asn1106_Leu1107del (NM_001407653.1, NM_001407654.1, NM_001407655.1 and 4 more transcripts); c.3313_3318del, p.Asn1105_Leu1106del (NM_001407659.1, NM_001407660.1, NM_001407661.1 and 1 more transcripts); and 41 more.
Identifiers: ClinVar variation 1394256 (VCV001394256.7), dbSNP rs2154319658, ClinGen allele CA2573154078.
Genomic context (GRCh38, chr17:43,092,131, plus strand): 5'-ACAGGTCATCAGGTGTCTCAGAACAAACCTGAGATGCATGACTACTTCCCATAGGCTGTT[CTAAGTT>C]ATCTGAAATCAGATATGGAGAGAAATCTGTATTAACAGTCTGAACTACTTCTTCATATTC-3'

ClinVar aggregate classification (germline): Uncertain significance (1 of 4 stars; one submission).

Conditions:
Hereditary breast ovarian cancer syndrome. Also called: BRCA1- and BRCA2-Associated Hereditary Breast and Ovarian Cancer; Hereditary breast and ovarian cancer syndrome (HBOC); Hereditary breast and ovarian cancer syndrome; Hereditary breast and ovarian cancer; Breast and ovarian cancer; Hereditary breast and/or ovarian cancer syndrome. Identifiers: Orphanet 145, MedGen C0677776, MeSH D061325, MONDO:0003582. Disease mechanism: loss of function.

Submission:

Labcorp Genetics (formerly Invitae), Labcorp
Classification: Uncertain significance for Hereditary breast ovarian cancer syndrome. Last evaluated: 2021-11-20. Review status: criteria provided, single submitter. Criteria: Invitae Variant Classification Sherloc (09022015). Collection method: clinical testing. Allele origin: germline.
Comment: In summary, the available evidence is currently insufficient to determine the role of this variant in disease. Therefore, it has been classified as a Variant of Uncertain Significance. Experimental studies and prediction algorithms are not available or were not evaluated, and the functional significance of this variant is currently unknown. This variant has not been reported in the literature in individuals affected with BRCA1-related conditions. This variant is not present in population databases (gnomAD no frequency). This variant, c.3394_3399del, results in the deletion of 2 amino acid(s) of the BRCA1 protein (p.Asn1132_Leu1133del), but otherwise preserves the integrity of the reading frame.